The following is an entry in ClinVar:

NM_152383.5(DIS3L2):c.1583C>T (p.Ala528Val)

Gene: DIS3L2 (DIS3 like 3'-5' exoribonuclease 2; plus strand). Cytogenetic location: 2q37.1.
Variant type: single nucleotide variant.
Coding change: c.1583C>T on transcript NM_152383.5 (MANE Select); coding-DNA position 1583, C replaced by T.
Protein change: p.Ala528Val; replaces alanine 528 with valine.
Molecular consequence: missense variant. On other transcripts: splice donor variant (1), non-coding transcript variant (2).
Genome position (GRCh38, 1-based): chr2:232,263,364, C>T. VCF-style: chr2-232263364-C-T. GRCh37 (hg19) VCF-style: chr2-233128074-C-T.
Other names: c.1581+2C>T (NM_001257281.2); short protein forms A528V.
Identifiers: ClinVar variation 1485222 (VCV001485222.8), dbSNP rs2106281270, ClinGen allele CA350975580.

ClinVar aggregate classification (germline): Uncertain significance (1 of 4 stars; one submission).

Conditions:
Perlman syndrome (PRLMNS). Identifiers: Orphanet 2849, MedGen C0796113, MONDO:0009965, OMIM 267000.

Submission:

Labcorp Genetics (formerly Invitae), Labcorp
Classification: Uncertain significance for Perlman syndrome. Last evaluated: 2021-02-13. Review status: criteria provided, single submitter. Criteria: Invitae Variant Classification Sherloc (09022015). Collection method: clinical testing. Allele origin: germline.
Comment: This sequence change replaces alanine with valine at codon 528 of the DIS3L2 protein (p.Ala528Val). The alanine residue is moderately conserved and there is a small physicochemical difference between alanine and valine. In summary, the available evidence is currently insufficient to determine the role of this variant in disease. Therefore, it has been classified as a Variant of Uncertain Significance. Algorithms developed to predict the effect of missense changes on protein structure and function are either unavailable or do not agree on the potential impact of this missense change (SIFT: "Tolerated"; PolyPhen-2: "Possibly Damaging"; Align-GVGD: "Class C0"). This variant has not been reported in the literature in individuals with DIS3L2-related conditions. This variant is not present in population databases (ExAC no frequency).